The following is an entry in ClinVar:

NM_001103.4(ACTN2):c.794C>T (p.Ala265Val)

Gene: ACTN2 (actinin alpha 2; plus strand). Cytogenetic location: 1q43.
Variant type: single nucleotide variant.
Coding change: c.794C>T on transcript NM_001103.4 (MANE Select); coding-DNA position 794, C replaced by T.
Protein change: p.Ala265Val; replaces alanine 265 with valine.
Molecular consequence: missense variant.
Genome position (GRCh38, 1-based): chr1:236,737,132, C>T. VCF-style: chr1-236737132-C-T. GRCh37 (hg19) VCF-style: chr1-236900432-C-T.
Other names: p.A265V:GCG>GTG; c.794C>T, p.Ala265Val (NM_001278343.2); c.170C>T, p.Ala57Val (NM_001278344.2); short protein forms A265V, A57V.
Identifiers: ClinVar variation 201634 (VCV000201634.17), dbSNP rs794728965, ClinGen allele CA335018.

ClinVar aggregate classification (germline): Uncertain significance. Review status: criteria provided, multiple submitters, no conflicts (2 of 4 stars). 6 submissions from 6 submitters: Uncertain significance (6). Last evaluated 2025-08-12.

Conditions:
Cardiovascular phenotype. Identifiers: MedGen CN230736.
Dilated cardiomyopathy 1AA (CMD1AA). Also called: CARDIOMYOPATHY, DILATED, 1AA, WITH OR WITHOUT LEFT VENTRICULAR NONCOMPACTION; CARDIOMYOPATHY, FAMILIAL HYPERTROPHIC, 23, WITH OR WITHOUT LEFT VENTRICULAR NONCOMPACTION; Cardiomyopathy, dilated, 1AA, with or without LVNC. Identifiers: Orphanet 154, MedGen C2677338, MONDO:0012808, OMIM 612158.
Primary familial hypertrophic cardiomyopathy (HCM). Identifiers: Orphanet 99739, MedGen C0949658, MeSH D024741, MONDO:0024573. Inheritance: Various modes of inheritance.
Cardiomyopathy (CMYO). Also called: Cardiomyopathies. Identifiers: Orphanet 167848, MedGen C0878544, MONDO:0004994, HP:0001638. Inheritance: Various modes of inheritance.

Allele frequency attached by ClinVar (database versions not stated): gnomAD exomes below 0.00001; TOPMed 0.00001.

Submissions (6):

Labcorp Genetics (formerly Invitae), Labcorp
Classification: Uncertain significance for Primary familial hypertrophic cardiomyopathy; Dilated cardiomyopathy 1AA. Last evaluated: 2025-08-12. Review status: criteria provided, single submitter. Criteria: Invitae Variant Classification Sherloc (09022015). Collection method: clinical testing. Allele origin: germline.
Comment: This sequence change replaces alanine, which is neutral and non-polar, with valine, which is neutral and non-polar, at codon 265 of the ACTN2 protein (p.Ala265Val). This variant is present in population databases (rs794728965, gnomAD 0.003%). This missense change has been observed in individual(s) with clinical features of ACTN2-related conditions (internal data). ClinVar contains an entry for this variant (Variation ID: 201634). Invitae Evidence Modeling of protein sequence and biophysical properties (such as structural, functional, and spatial information, amino acid conservation, physicochemical variation, residue mobility, and thermodynamic stability) indicates that this missense variant is expected to disrupt ACTN2 protein function with a positive predictive value of 80%. In summary, the available evidence is currently insufficient to determine the role of this variant in disease. Therefore, it has been classified as a Variant of Uncertain Significance.

Ambry Genetics
Classification: Uncertain significance for Cardiovascular phenotype. Last evaluated: 2025-07-09. Review status: criteria provided, single submitter. Criteria: Ambry Variant Classification Scheme 2023. Collection method: clinical testing. Allele origin: germline.
Comment: The p.A265V variant (also known as c.794C>T), located in coding exon 9 of the ACTN2 gene, results from a C to T substitution at nucleotide position 794. The alanine at codon 265 is replaced by valine, an amino acid with similar properties. This variant co-occurred with variants in other cardiac-related genes in an individual with dilated cardiomyopathy (van Lint FHM et al. Neth Heart J, 2019 Jun;27:304-309). This amino acid position is highly conserved in available vertebrate species. In addition, the in silico prediction for this alteration is inconclusive. Since supporting evidence is limited at this time, the clinical significance of this alteration remains unclear.

Revvity Omics, Revvity
Classification: Uncertain significance. Last evaluated: 2024-01-24. Review status: criteria provided, single submitter. Criteria: ACMG Guidelines, 2015. Collection method: clinical testing. Allele origin: germline.

Blueprint Genetics
Classification: Uncertain significance. Last evaluated: 2019-12-04. Review status: criteria provided, single submitter. Criteria: ACMG Guidelines, 2015. Collection method: clinical testing. Allele origin: germline.

CHEO Genetics Diagnostic Laboratory, Children's Hospital of Eastern Ontario
Classification: Uncertain significance for Cardiomyopathy. Last evaluated: 2015-09-23. Review status: criteria provided, single submitter. Criteria: ACMG Guidelines, 2015. Collection method: clinical testing. Allele origin: germline. Study: Canadian Open Genetics Repository.

GeneDx
Classification: Uncertain significance. Last evaluated: 2012-09-04. Review status: criteria provided, single submitter. Criteria: GeneDx Variant Classification (06012015). Collection method: clinical testing. Allele origin: germline. Affected: yes.
Comment: The Ala265Val variant in the ACTN2 gene has not been reported as a disease-causing mutation or as a benign polymorphism to our knowledge. Ala265Val results in a conservative amino acid substitution of one none-polar amino acid for another at a position that is conserved across species. The NHLBI ESP Exome Variant Server reports Ala265Val was not observed in approximately 6,000 samples from individuals of European and African American backgrounds, indicating it is not a common benign variant in these populations. However, no mutations have been reported in this region of the ACTN2 gene to date, indicating this region of the protein may tolerate change. The variant is found in DCM panel(s).

Literature cited by the submitters: PubMed 30847666 (cited by Ambry Genetics).